The following is an entry in ClinVar:

NM_015046.7(SETX):c.3932G>A (p.Arg1311His)

Gene: SETX (senataxin; minus strand). Cytogenetic location: 9q34.13.
Variant type: single nucleotide variant.
Coding change: c.3932G>A on transcript NM_015046.7 (MANE Select); coding-DNA position 3932, G replaced by A.
Protein change: p.Arg1311His; replaces arginine 1311 with histidine.
Molecular consequence: missense variant.
Genome position (GRCh38, 1-based): chr9:132,327,666, C>T on the plus strand (G>A on the coding strand, the complement: SETX is on the minus strand). VCF-style: chr9-132327666-C-T. GRCh37 (hg19) VCF-style: chr9-135203053-C-T.
Other names: c.3932G>A, p.Arg1311His (NM_001351527.2, NM_001351528.2); short protein forms R1311H.
Identifiers: ClinVar variation 1736278 (VCV001736278.2), dbSNP rs767094849, ClinGen allele CA5297303.
Genomic context (GRCh38, chr9:132,327,666, plus strand): 5'-GGAGAAATTAATTTAGTCTTTTTTCGGGTATCAACTACTCCAACAGTTTTGCCATGATCA[C>T]GTAATTGAGCTACATAATCCAAAGACCGCTGGGACAACTCATATGCCTTACGAGGACCCT-3'
Protein context (NP_055861.3, residues 1301-1321): QRSLDYVAQL[Arg1311His]DHGKTVGVVD

ClinVar aggregate classification (germline): Uncertain significance (1 of 4 stars; one submission).

Conditions:
Inborn genetic diseases. Identifiers: MedGen C0950123, MeSH D030342.

Allele frequency attached by ClinVar (database versions not stated): TOPMed 0.00001; ExAC 0.00002.
gnomAD v4.1: 15 of 1,613,802 alleles (0.00093%); highest among the groups gnomAD compares: Admixed American, 0.0083%; no homozygotes.

Submission:

Ambry Genetics
Classification: Uncertain significance for Inborn genetic diseases. Last evaluated: 2020-02-10. Review status: criteria provided, single submitter. Criteria: Ambry Variant Classification Scheme 2023. Collection method: clinical testing. Allele origin: germline.
Comment: The p.R1311H variant (also known as c.3932G>A), located in coding exon 8 of the SETX gene, results from a G to A substitution at nucleotide position 3932. The arginine at codon 1311 is replaced by histidine, an amino acid with highly similar properties. This amino acid position is highly conserved in available vertebrate species. In addition, the in silico prediction for this alteration is inconclusive. Since supporting evidence is limited at this time, the clinical significance of this alteration remains unclear.